The following is an entry in ClinVar:

NM_001146.5(ANGPT1):c.324G>A (p.Met108Ile)

Gene: ANGPT1 (angiopoietin 1; minus strand). Cytogenetic location: 8q23.1.
Variant type: single nucleotide variant.
Coding change: c.324G>A on transcript NM_001146.5 (MANE Select); coding-DNA position 324, G replaced by A.
Protein change: p.Met108Ile; replaces methionine 108 with isoleucine.
Molecular consequence: missense variant.
Genome position (GRCh38, 1-based): chr8:107,347,071, C>T on the plus strand (G>A on the coding strand, the complement: ANGPT1 is on the minus strand). VCF-style: chr8-107347071-C-T. GRCh37 (hg19) VCF-style: chr8-108359299-C-T.
Other names: c.324G>A, p.Met108Ile (NM_001199859.3); short protein forms M108I.
Identifiers: ClinVar variation 2000841 (VCV002000841.4), dbSNP rs1815821676, ClinGen allele CA372035000.
Genomic context (GRCh38, chr8:107,347,071, plus strand): 5'-CAGCATGGTAGCCGTGTGGTTCTGAACTGCATTCTGCTGTATCTGGGCCATCTCCGACTT[C>T]ATGTTTTCCACAATGTAATTCTCAAGCTGCAAGAGATAAAGAACAAAACATATTACATTA-3'
Protein context (NP_001137.2, residues 98-118): QKLENYIVEN[Met108Ile]KSEMAQIQQN

ClinVar aggregate classification (germline): Uncertain significance (1 of 4 stars; one submission).

Allele frequency attached by ClinVar (database versions not stated): gnomAD exomes 0.00001.

Submission:

Labcorp Genetics (formerly Invitae), Labcorp
Classification: Uncertain significance. Last evaluated: 2022-09-23. Review status: criteria provided, single submitter. Criteria: Invitae Variant Classification Sherloc (09022015). Collection method: clinical testing. Allele origin: germline.
Comment: This sequence change replaces methionine, which is neutral and non-polar, with isoleucine, which is neutral and non-polar, at codon 108 of the ANGPT1 protein (p.Met108Ile). This variant is not present in population databases (gnomAD no frequency). This variant has not been reported in the literature in individuals affected with ANGPT1-related conditions. Algorithms developed to predict the effect of missense changes on protein structure and function are either unavailable or do not agree on the potential impact of this missense change (SIFT: "Deleterious"; PolyPhen-2: "Benign"; Align-GVGD: "Class C0"). In summary, the available evidence is currently insufficient to determine the role of this variant in disease. Therefore, it has been classified as a Variant of Uncertain Significance.